The following is an entry in ClinVar:

NM_080680.3(COL11A2):c.2684G>A (p.Gly895Asp)

Gene: COL11A2 (collagen type XI alpha 2 chain; minus strand). Cytogenetic location: 6p21.32.
Variant type: single nucleotide variant.
Coding change: c.2684G>A on transcript NM_080680.3 (MANE Select); coding-DNA position 2684, G replaced by A.
Protein change: p.Gly895Asp; replaces glycine 895 with aspartic acid.
Molecular consequence: missense variant.
Genome position (GRCh38, 1-based): chr6:33,173,400, C>T on the plus strand (G>A on the coding strand, the complement: COL11A2 is on the minus strand). VCF-style: chr6-33173400-C-T. GRCh37 (hg19) VCF-style: chr6-33141177-C-T.
Other names: c.2504G>A, p.Gly835Asp (NM_001424108.1); c.1838G>A, p.Gly613Asp (NM_001424109.1); c.1658G>A, p.Gly553Asp (NM_001424110.1, NM_001424111.1); c.638G>A, p.Gly213Asp (NM_001424112.1); c.2363G>A, p.Gly788Asp (NM_080679.3); c.2426G>A, p.Gly809Asp (NM_080681.3); short protein forms G213D, G553D, G613D, G788D, G809D, G835D, G895D.
Identifiers: ClinVar variation 3774161 (VCV003774161.1).

ClinVar aggregate classification (germline): Uncertain significance (1 of 4 stars; one submission).

Submission:

GeneDx
Classification: Uncertain significance. Last evaluated: 2024-09-20. Review status: criteria provided, single submitter. Criteria: GeneDx Variant Classification Process June 2021. Collection method: clinical testing. Allele origin: germline. Affected: yes.
Comment: Has not been previously published as pathogenic or benign to our knowledge; Not observed at significant frequency in large population cohorts (gnomAD); In silico analysis supports that this missense variant has a deleterious effect on protein structure/function